The following is an entry in ClinVar:

ClinVar aggregate classification (germline): Uncertain significance (1 of 4 stars; one submission).

Conditions:
Primary familial hypertrophic cardiomyopathy (HCM). Identifiers: Orphanet 99739, MedGen C0949658, MeSH D024741, MONDO:0024573. Inheritance: Various modes of inheritance.
Dilated cardiomyopathy 1AA (CMD1AA). Also called: CARDIOMYOPATHY, DILATED, 1AA, WITH OR WITHOUT LEFT VENTRICULAR NONCOMPACTION; CARDIOMYOPATHY, FAMILIAL HYPERTROPHIC, 23, WITH OR WITHOUT LEFT VENTRICULAR NONCOMPACTION; Cardiomyopathy, dilated, 1AA, with or without LVNC. Identifiers: Orphanet 154, MedGen C2677338, MONDO:0012808, OMIM 612158.

Submission:

Labcorp Genetics (formerly Invitae), Labcorp
Classification: Uncertain significance for Primary familial hypertrophic cardiomyopathy; Dilated cardiomyopathy 1AA. Last evaluated: 2022-10-11. Review status: criteria provided, single submitter. Criteria: Invitae Variant Classification Sherloc (09022015). Collection method: clinical testing. Allele origin: germline.
Comment: A gross deletion of the genomic region encompassing the full coding sequence of the ACTN2 gene has been identified. The current clinical and genetic evidence is not sufficient to establish whether loss-of-function variants in ACTN2 cause disease. The boundaries of this event are unknown as they extend beyond the assayed region for this gene and therefore may encompass additional genes. This variant has not been reported in the literature in individuals affected with ACTN2-related conditions. In summary, the available evidence is currently insufficient to determine the role of this variant in disease. Therefore, it has been classified as a Variant of Uncertain Significance.

NC_000001.10:g.(?_236849974)_(236925919_?)del

Gene: ACTN2 (actinin alpha 2; plus strand). Cytogenetic location: 1q43.
Variant type: Deletion.
Identifiers: ClinVar variation 2423720 (VCV002423720.2).